The following is an entry in ClinVar:

NM_182914.3(SYNE2):c.1119C>T (p.Leu373=)

Gene: SYNE2 (spectrin repeat containing nuclear envelope protein 2; plus strand). Cytogenetic location: 14q23.2.
Variant type: single nucleotide variant.
Coding change: c.1119C>T on transcript NM_182914.3 (MANE Select); coding-DNA position 1119, C replaced by T.
Protein change: p.Leu373=; no amino-acid change (leucine 373 retained).
Molecular consequence: synonymous variant.
Genome position (GRCh38, 1-based): chr14:63,967,837, C>T. VCF-style: chr14-63967837-C-T. GRCh37 (hg19) VCF-style: chr14-64434555-C-T.
Other names: c.1119C>T, p.Leu373= (NM_015180.6); c.1119C>T (NM_182914.2).
Identifiers: ClinVar variation 1148576 (VCV001148576.10), dbSNP rs1480808285, ClinGen allele CA486701045.

ClinVar aggregate classification (germline): Likely benign. Review status: criteria provided, multiple submitters, no conflicts (2 of 4 stars). 2 submissions from 2 submitters: Likely benign (2). Last evaluated 2025-11-22.

Conditions:
SYNE2-related disorder. Also called: SYNE2-related condition.
Emery-Dreifuss muscular dystrophy 5, autosomal dominant (EDMD5). Also called: EMERY-DREIFUSS MUSCULAR DYSTROPHY 5. Identifiers: Orphanet 261, MedGen C2751805, MONDO:0013072, OMIM 612999.

Allele frequency attached by ClinVar (database versions not stated): gnomAD exomes 0.00001; gnomAD 0.00005; TOPMed 0.00011.
gnomAD v4.1: 18 of 1,613,826 alleles (0.0011%); highest among the groups gnomAD compares: Admixed American, 0.012%; no homozygotes.

Submissions (2):

PreventionGenetics, part of Exact Sciences
Classification: Likely benign for SYNE2-related condition. Last evaluated: 2025-11-22. Review status: criteria provided, single submitter. Criteria: ACMG Guidelines, 2015. Collection method: clinical testing. Allele origin: germline.
Comment: This variant is classified as likely benign based on ACMG/AMP sequence variant interpretation guidelines (Richards et al. 2015 PMID: 25741868, with internal and published modifications).

Labcorp Genetics (formerly Invitae), Labcorp
Classification: Likely benign for Emery-Dreifuss muscular dystrophy 5, autosomal dominant. Last evaluated: 2024-10-22. Review status: criteria provided, single submitter. Criteria: Invitae Variant Classification Sherloc (09022015). Collection method: clinical testing. Allele origin: germline.